The following is an entry in ClinVar:

ClinVar aggregate classification (germline): Pathogenic (1 of 4 stars; one submission).

Conditions:
Severe myoclonic epilepsy in infancy (DRVT). Also called: Epileptic encephalopathy, early infantile, 6 (Dravet syndrome); SEVERE MYOCLONIC EPILEPSY OF INFANCY; DEVELOPMENTAL AND EPILEPTIC ENCEPHALOPATHY 6A; Severe Myoclonic Epilepsy in Infancy (SMEI); Dravet syndrome. Identifiers: Orphanet 33069, MedGen C0751122, MONDO:0100135, OMIM 607208.

Submission:

Center for Bioinformatics, Peking University
Classification: Pathogenic for Dravet syndrome. Last evaluated: 2014-12-20. Review status: criteria provided, single submitter. Criteria: Xu et al. (Hum Mutat. 2015). Collection method: research. Allele origin: de novo. Affected: yes. Observed: 1 variant allele. Study: University Clinical Cooperation “985 Project” PKU-2014-1-1.
Comment: Dravet syndrome (DS) probands were recruited from the outpatient and inpatient child neurology units of Peking University First Hospital from 2005 till present. The study was approved by the Ethics Committee of Peking University First Hospital and the Institutional Review Board at Peking University. Participants or their parents provided written informed consent before enrollment. We collected a total of 267 mutations from 255 families with probands diagnosed with DS in China. All probands fulfilled the clinical diagnostic criteria.

NM_001165963.4(SCN1A):c.2100del (p.Met701fs)

Gene: SCN1A (sodium voltage-gated channel alpha subunit 1; minus strand). Cytogenetic location: 2q24.3.
Variant type: Deletion.
Coding change: c.2100del on transcript NM_001165963.4 (MANE Select); coding-DNA position 2100, one base deleted (C; older notation c.2100delC).
Protein change: p.Met701fs; shifts the reading frame from methionine 701.
Molecular consequence: frameshift variant. On other transcripts: 5 prime UTR variant (1), non-coding transcript variant (1).
Genome position (GRCh38, 1-based): chr2:166,042,368, G deleted on the plus strand (C on the coding strand, the reverse complement: SCN1A is on the minus strand); the first of 2 consecutive G bases (chr2:166,042,368-166,042,369); deleting either gives the same sequence. VCF-style (leftmost placement, unchanged base first): chr2-166042367-TG-T. GRCh37 (hg19) VCF-style: chr2-166898877-TG-T.
Other names: c.2016del, p.Met673fs (NM_001165964.3, NM_001353957.2, NM_001353958.2); c.2100del, p.Met701fs (NM_001202435.3, NM_001353948.2); c.2067del, p.Met690fs (NM_001353949.2, NM_001353950.2, NM_001353951.2 and 2 more transcripts); c.2064del, p.Met689fs (NM_001353954.2, NM_001353955.2); c.2013del, p.Met672fs (NM_001353960.2); c.-359del (NM_001353961.2); short protein forms M689fs, M701fs, M690fs, M672fs, M673fs.
Identifiers: ClinVar variation 189972 (VCV000189972.1), dbSNP rs794726806, ClinGen allele CA303452.